The following is an entry in ClinVar:

NM_001267550.2(TTN):c.63160A>G (p.Arg21054Gly)

Genes: TTN (titin; minus strand), TTN-AS1 (TTN antisense RNA 1; plus strand). Cytogenetic location: 2q31.2.
Variant type: single nucleotide variant.
Coding change: c.63160A>G on transcript NM_001267550.2 (MANE Select); coding-DNA position 63160, A replaced by G.
Protein change: p.Arg21054Gly; replaces arginine 21054 with glycine.
Molecular consequence: missense variant.
Genome position (GRCh38, 1-based): chr2:178,588,565, T>C on the plus strand (A>G on the coding strand, the complement: TTN is on the minus strand). VCF-style: chr2-178588565-T-C. GRCh37 (hg19) VCF-style: chr2-179453292-T-C.
Other names: c.58237A>G, p.Arg19413Gly (NM_001256850.1); c.35965A>G, p.Arg11989Gly (NM_003319.4); c.55456A>G, p.Arg18486Gly (NM_133378.4); c.36340A>G, p.Arg12114Gly (NM_133432.3); c.36541A>G, p.Arg12181Gly (NM_133437.4); short protein forms R11989G, R12114G, R12181G, R19413G, R21054G, R18486G.
Identifiers: ClinVar variation 4979905 (VCV004979905.1).
Genomic context (GRCh38, chr2:178,588,565, plus strand): 5'-GCTGTAATATCAGAAAAAACAAGGACATCCTACCTATGGGGTCTTTTGCCACCACCGGTC[T>C]TGAAGGCAAGCTTGGTTCTCCAATTCCAATTTCATTTTCTGCCTTGACACGGAACTGATA-3'
Protein context (NP_001254479.2, residues 21044-21064): IGIGEPSLPS[Arg21054Gly]PVVAKDPIEP

ClinVar aggregate classification (germline): Uncertain significance (1 of 4 stars; one submission).

Conditions:
TTN-related disorder. Also called: TTN-related condition; TTN-related disease; TTN-related disorders.

gnomAD v4.1: 20 of 1,539,114 alleles (0.0013%); highest among the groups gnomAD compares: Non-Finnish European, 0.0017%; no homozygotes.

Submission:

PreventionGenetics, part of Exact Sciences
Classification: Uncertain significance for TTN-related condition. Last evaluated: 2025-05-16. Review status: criteria provided, single submitter. Criteria: ACMG Guidelines, 2015. Collection method: clinical testing. Allele origin: germline.
Comment: The TTN c.63160A>G variant is predicted to result in the amino acid substitution p.Arg21054Gly. To our knowledge, this variant has not been reported in the literature. This variant is reported in 0.0011% of alleles in individuals of European (Non-Finnish) descent in gnomAD. At this time, the clinical significance of this variant is uncertain due to the absence of conclusive functional and genetic evidence.